The following is an entry in ClinVar:

ClinVar aggregate classification (germline): Uncertain significance. Review status: criteria provided, multiple submitters, no conflicts (2 of 4 stars). 2 submissions from 2 submitters: Uncertain significance (2). Last evaluated 2025-01-13.

Conditions:
Inborn genetic diseases. Identifiers: MedGen C0950123, MeSH D030342.
Baller-Gerold syndrome (BGS). Also called: CRANIOSYNOSTOSIS WITH RADIAL DEFECTS. Identifiers: Orphanet 1225, MedGen C0265308, MONDO:0009039, OMIM 218600.

Allele frequency attached by ClinVar (database versions not stated): gnomAD exomes below 0.00001 and 0.00001; TOPMed below 0.00001.

Submissions (2):

Ambry Genetics
Classification: Uncertain significance for Inborn genetic diseases. Last evaluated: 2025-01-13. Review status: criteria provided, single submitter. Criteria: Ambry Variant Classification Scheme 2023. Collection method: clinical testing. Allele origin: germline.
Comment: The p.I705T variant (also known as c.2114T>C), located in coding exon 13 of the RECQL4 gene, results from a T to C substitution at nucleotide position 2114. The isoleucine at codon 705 is replaced by threonine, an amino acid with similar properties. This amino acid position is conserved. In addition, the in silico prediction for this alteration is inconclusive. Based on the available evidence, the clinical significance of this variant remains unclear.

Labcorp Genetics (formerly Invitae), Labcorp
Classification: Uncertain significance for Baller-Gerold syndrome. Last evaluated: 2024-11-24. Review status: criteria provided, single submitter. Criteria: Invitae Variant Classification Sherloc (09022015). Collection method: clinical testing. Allele origin: germline.
Comment: This sequence change replaces isoleucine, which is neutral and non-polar, with threonine, which is neutral and polar, at codon 705 of the RECQL4 protein (p.Ile705Thr). The frequency data for this variant in the population databases is considered unreliable, as metrics indicate poor data quality at this position in the gnomAD database. This variant has not been reported in the literature in individuals affected with RECQL4-related conditions. ClinVar contains an entry for this variant (Variation ID: 406982). Invitae Evidence Modeling of protein sequence and biophysical properties (such as structural, functional, and spatial information, amino acid conservation, physicochemical variation, residue mobility, and thermodynamic stability) indicates that this missense variant is expected to disrupt RECQL4 protein function with a positive predictive value of 80%. In summary, the available evidence is currently insufficient to determine the role of this variant in disease. Therefore, it has been classified as a Variant of Uncertain Significance.

NM_004260.4(RECQL4):c.2114T>C (p.Ile705Thr)

Gene: RECQL4 (RecQ like helicase 4; minus strand). Cytogenetic location: 8q24.3.
Variant type: single nucleotide variant.
Coding change: c.2114T>C on transcript NM_004260.4 (MANE Select); coding-DNA position 2114, T replaced by C.
Protein change: p.Ile705Thr; replaces isoleucine 705 with threonine.
Molecular consequence: missense variant.
Genome position (GRCh38, 1-based): chr8:144,513,657, A>G on the plus strand (T>C on the coding strand, the complement: RECQL4 is on the minus strand). VCF-style: chr8-144513657-A-G. GRCh37 (hg19) VCF-style: chr8-145739041-A-G.
Other names: short protein forms I705T.
Identifiers: ClinVar variation 406982 (VCV000406982.9), dbSNP rs1060501372, ClinGen allele CA16612349.
Genomic context (GRCh38, chr8:144,513,657, plus strand): 5'-TGCAGGCAGGTTCGGAGGAGCGCAGCGATCCGCTCTGTGTCCTCGCGCCGGTTGCAGTAA[A>G]TGATAATGGAATCGAGGTTTTGAAAACGTTTGCCTTGCAGCAGCGTCAACAGTGCCTGAT-3'
Protein context (NP_004251.4, residues 695-715): KRFQNLDSII[Ile705Thr]YCNRREDTER